The following is an entry in ClinVar:

ClinVar aggregate classification (germline): Uncertain significance (1 of 4 stars; one submission).

Submission:

GeneDx
Classification: Uncertain significance. Last evaluated: 2024-01-29. Review status: criteria provided, single submitter. Criteria: GeneDx Variant Classification Process June 2021. Collection method: clinical testing. Allele origin: germline.
Comment: Not observed at significant frequency in large population cohorts (gnomAD); In silico analysis supports that this missense variant has a deleterious effect on protein structure/function; Has not been previously published as pathogenic or benign to our knowledge

NM_001252102.2(KIF21B):c.4538A>T (p.Gln1513Leu)

Gene: KIF21B (kinesin family member 21B; minus strand). Cytogenetic location: 1q32.1.
Variant type: single nucleotide variant.
Coding change: c.4538A>T on transcript NM_001252102.2 (MANE Select); coding-DNA position 4538, A replaced by T.
Protein change: p.Gln1513Leu; replaces glutamine 1513 with leucine.
Molecular consequence: missense variant.
Genome position (GRCh38, 1-based): chr1:200,975,575, T>A on the plus strand (A>T on the coding strand, the complement: KIF21B is on the minus strand). VCF-style: chr1-200975575-T-A. GRCh37 (hg19) VCF-style: chr1-200944703-T-A.
Other names: c.4538A>T, p.Gln1513Leu (NM_001252100.2); c.4499A>T, p.Gln1500Leu (NM_001252103.2, NM_017596.4); short protein forms Q1500L, Q1513L.
Identifiers: ClinVar variation 1698078 (VCV001698078.3), dbSNP rs372866126, ClinGen allele CA344115346.